The following is an entry in ClinVar:

NM_000059.4(BRCA2):c.6130G>C (p.Gly2044Arg)

Gene: BRCA2 (BRCA2 DNA repair associated; plus strand). Cytogenetic location: 13q13.1.
Variant type: single nucleotide variant.
Coding change: c.6130G>C on transcript NM_000059.4 (MANE Select); coding-DNA position 6130, G replaced by C.
Protein change: p.Gly2044Arg; replaces glycine 2044 with arginine.
Molecular consequence: missense variant.
Genome position (GRCh38, 1-based): chr13:32,340,485, G>C. VCF-style: chr13-32340485-G-C. GRCh37 (hg19) VCF-style: chr13-32914622-G-C.
Other names: short protein forms G2044R.
Identifiers: ClinVar variation 639034 (VCV000639034.16), dbSNP rs1593907627, ClinGen allele CA387788204.

ClinVar aggregate classification (germline): Conflicting classifications of pathogenicity. Review status: criteria provided, conflicting classifications (1 of 4 stars). 4 submissions from 4 submitters: Uncertain significance (2); Likely benign (2). Last evaluated 2026-02-06.

Conditions:
Hereditary cancer-predisposing syndrome. Also called: Neoplastic Syndromes, Hereditary; Hereditary neoplastic syndrome; Tumor predisposition; Hereditary Cancer Syndrome. Identifiers: Orphanet 140162, MedGen C0027672, MeSH D009386, MONDO:0015356.
Hereditary breast ovarian cancer syndrome. Also called: Hereditary breast and/or ovarian cancer syndrome; Breast and ovarian cancer; Hereditary breast and ovarian cancer; Hereditary breast and ovarian cancer syndrome (HBOC); Hereditary breast and ovarian cancer syndrome; BRCA1- and BRCA2-Associated Hereditary Breast and Ovarian Cancer. Identifiers: Orphanet 145, MedGen C0677776, MeSH D061325, MONDO:0003582. Disease mechanism: loss of function.

Submissions (4):

Ambry Genetics
Classification: Likely benign for Hereditary cancer-predisposing syndrome. Last evaluated: 2026-02-06. Review status: criteria provided, single submitter. Criteria: Ambry Variant Classification Scheme 2023. Collection method: clinical testing. Allele origin: germline.

Quest Diagnostics Nichols Institute San Juan Capistrano
Classification: Uncertain significance. Last evaluated: 2025-06-13. Review status: criteria provided, single submitter. Criteria: Quest Diagnostics criteria. Collection method: clinical testing. Allele origin: unknown.
Comment: The BRCA2 c.6130G>C (p.Gly2044Arg) variant has been reported in the published literature in an individual with prostate tumor (PMID: 36922933 (2022)), and described to be located in a region of the BRCA2 gene that is tolerant to missense sequence changes (PMID: 31911673 (2020)). This variant has not been reported in large, multi-ethnic general populations (Genome Aggregation Database). Analysis of this variant using bioinformatics tool for the prediction of the effect of amino acid changes on protein structure and function yielded predictions that this variant is benign. Based on the available information, we are unable to determine the clinical significance of this variant.

Labcorp Genetics (formerly Invitae), Labcorp
Classification: Uncertain significance for Hereditary breast ovarian cancer syndrome. Last evaluated: 2023-07-03. Review status: criteria provided, single submitter. Criteria: Invitae Variant Classification Sherloc (09022015). Collection method: clinical testing. Allele origin: germline.
Comment: This sequence change replaces glycine, which is neutral and non-polar, with arginine, which is basic and polar, at codon 2044 of the BRCA2 protein (p.Gly2044Arg). This variant is not present in population databases (gnomAD no frequency). This variant has not been reported in the literature in individuals affected with BRCA2-related conditions. ClinVar contains an entry for this variant (Variation ID: 639034). Advanced modeling of protein sequence and biophysical properties (such as structural, functional, and spatial information, amino acid conservation, physicochemical variation, residue mobility, and thermodynamic stability) performed at Invitae indicates that this missense variant is not expected to disrupt BRCA2 protein function. In summary, the available evidence is currently insufficient to determine the role of this variant in disease. Therefore, it has been classified as a Variant of Uncertain Significance.

University of Washington Department of Laboratory Medicine, University of Washington
Classification: Likely benign for Hereditary cancer-predisposing syndrome. Last evaluated: 2023-03-23. Review status: criteria provided, single submitter. Criteria: Dines et al. (Genet Med. 2020). Collection method: curation. Allele origin: germline.
Comment: Missense variant in a coldspot region where missense variants are very unlikely to be pathogenic (PMID:31911673).

BRCA2 exon 11 coldspot. Reclassification based on statistical prior probability.

Literature cited by the submitters: PubMed 31911673 (cited by Quest Diagnostics Nichols Institute San Juan Capistrano); PubMed 36922933 (cited by Quest Diagnostics Nichols Institute San Juan Capistrano); PubMed 35729312 (cited by Quest Diagnostics Nichols Institute San Juan Capistrano); PubMed 29884841 (cited by Quest Diagnostics Nichols Institute San Juan Capistrano).